The following is an entry in ClinVar:

ClinVar aggregate classification (germline): Pathogenic (1 of 4 stars; one submission).

Conditions:
3-Oxo-5 alpha-steroid delta 4-dehydrogenase deficiency (PPSH). Also called: PSEUDOVAGINAL PERINEOSCROTAL HYPOSPADIAS; FAMILIAL INCOMPLETE MALE PSEUDOHERMAPHRODITISM, TYPE 2; MALE PSEUDOHERMAPHRODITISM DUE TO 5-ALPHA-REDUCTASE DEFICIENCY; 46,XY disorder of sex development due to 5-alpha-reductase 2 deficiency. Identifiers: Orphanet 753, MedGen C0268297, MONDO:0009923, OMIM 264600. Disease mechanism: loss of function.

gnomAD v4.1: 52 of 1,588,534 alleles (0.0033%); highest among the groups gnomAD compares: Non-Finnish European, 0.0043%; no homozygotes.

Submission:

Labcorp Genetics (formerly Invitae), Labcorp
Classification: Pathogenic for 3-Oxo-5 alpha-steroid delta 4-dehydrogenase deficiency. Last evaluated: 2025-12-10. Review status: criteria provided, single submitter. Criteria: Invitae Variant Classification Sherloc (09022015). Collection method: clinical testing. Allele origin: germline.
Comment: This sequence change replaces phenylalanine, which is neutral and non-polar, with leucine, which is neutral and non-polar, at codon 118 of the SRD5A2 protein (p.Phe118Leu). This variant is present in population databases (rs753942411, gnomAD 0.001%). This missense change has been observed in individual(s) with steroid-5 alpha-reductase deficiency (PMID: 27717089, 32380235; internal data). In at least one individual the data is consistent with being in trans (on the opposite chromosome) from a pathogenic variant. It has also been observed to segregate with disease in related individuals. Invitae Evidence Modeling of protein sequence and biophysical properties (such as structural, functional, and spatial information, amino acid conservation, physicochemical variation, residue mobility, and thermodynamic stability) has been performed for this missense variant. However, the output from this modeling did not meet the statistical confidence thresholds required to predict the impact of this variant on SRD5A2 protein function. Experimental studies have shown that this missense change affects SRD5A2 function (PMID: 32380235). For these reasons, this variant has been classified as Pathogenic.

Literature cited by the submitters: PubMed 27717089; PubMed 32380235.

NM_000348.4(SRD5A2):c.354C>G (p.Phe118Leu)

Gene: SRD5A2 (steroid 5 alpha-reductase 2; minus strand). Cytogenetic location: 2p23.1.
Variant type: single nucleotide variant.
Coding change: c.354C>G on transcript NM_000348.4 (MANE Select); coding-DNA position 354, C replaced by G.
Protein change: p.Phe118Leu; replaces phenylalanine 118 with leucine.
Molecular consequence: missense variant.
Genome position (GRCh38, 1-based): chr2:31,533,694, G>C on the plus strand (C>G on the coding strand, the complement: SRD5A2 is on the minus strand). VCF-style: chr2-31533694-G-C. GRCh37 (hg19) VCF-style: chr2-31758764-G-C.
Other names: short protein forms F118L.
Identifiers: ClinVar variation 4741035 (VCV004741035.1).
Genomic context (GRCh38, chr2:31,533,694, plus strand): 5'-ATCAGGGTATTCAGCACAGTAAATCAGATAGTAGCCTTGAAGGACTCCATTTCCAGTGCA[G>C]AAGGCAGTGCCTCTGAGAATGAGTATAGCTGGATAAGGCCTCCCTCGATTGAGCAGTGAG-3'
Protein context (NP_000339.2, residues 108-128): PAILILRGTA[Phe118Leu]CTGNGVLQGY